The following is an entry in ClinVar:

ClinVar aggregate classification (germline): Pathogenic/Likely pathogenic. Review status: criteria provided, multiple submitters, no conflicts (2 of 4 stars). 7 submissions from 7 submitters: Pathogenic (4); Likely pathogenic (1). 2 of the submissions do not count toward it. Last evaluated 2026-03-27.

Conditions:
Gastrointestinal defect and immunodeficiency syndrome. Also called: Gastrointestinal defects and immunodeficiency syndrome. Identifiers: MedGen C5234880, MONDO:0030831.
Gastrointestinal defects and immunodeficiency syndrome 1 (GIDID1). Also called: Combined immunodeficiency-enteropathy spectrum. Identifiers: Orphanet 436252, MedGen C5968858, MONDO:0800030, OMIM 243150.
Multiple gastrointestinal atresias. Also called: FAMILIAL INTESTINAL POLYATRESIA SYNDROME; Multiple intestinal atresia. Identifiers: Orphanet 2300, MedGen C0220744, MONDO:0009465.

Allele frequency attached by ClinVar (database versions not stated): ExAC 0.00001; gnomAD exomes 0.00002 and 0.00006; gnomAD 0.00003; TOPMed 0.00003; ESP Exome Variant Server 0.00008.
gnomAD v4.1: 87 of 1,614,004 alleles (0.0054%); highest among the groups gnomAD compares: Non-Finnish European, 0.0071%; no homozygotes.

Submissions (7):

Center for Human Genetics and Genomic Medicine, Uniklinik Rwth Aachen
Classification: Pathogenic for Gastrointestinal defects and immunodeficiency syndrome 1. Last evaluated: 2026-03-27. Review status: criteria provided, single submitter. Criteria: ACMG Guidelines, 2015. Collection method: clinical testing. Allele origin: paternal. Affected: yes.

Labcorp Genetics (formerly Invitae), Labcorp
Classification: Pathogenic for Multiple gastrointestinal atresias. Last evaluated: 2025-08-26. Review status: criteria provided, single submitter. Criteria: Invitae Variant Classification Sherloc (09022015). Collection method: clinical testing. Allele origin: germline.
Comment: This sequence change replaces glutamic acid, which is acidic and polar, with lysine, which is basic and polar, at codon 71 of the TTC7A protein (p.Glu71Lys). This variant is present in population databases (rs147914967, gnomAD 0.004%). This missense change has been observed in individual(s) with TTC7A-related conditions (PMID: 24417819, 25174867, 27418642). In at least one individual the data is consistent with being in trans (on the opposite chromosome) from a pathogenic variant. It has also been observed to segregate with disease in related individuals. ClinVar contains an entry for this variant (Variation ID: 190395). Invitae Evidence Modeling of protein sequence and biophysical properties (such as structural, functional, and spatial information, amino acid conservation, physicochemical variation, residue mobility, and thermodynamic stability) indicates that this missense variant is expected to disrupt TTC7A protein function with a positive predictive value of 80%. Experimental studies have shown that this missense change affects TTC7A function (PMID: 24417819). For these reasons, this variant has been classified as Pathogenic.

Aleixo Muise Laboratory, Hospital For Sick Children
Classification: Likely pathogenic for Gastrointestinal defects and immunodeficiency syndrome 1. Last evaluated: 2024-07-05. Review status: criteria provided, single submitter. Criteria: ACMG Guidelines, 2015. Collection method: research. Allele origin: inherited. Affected: yes. Observed: 1 variant allele.
Comment: PM2;PM3;PP3;PP4

GeneDx
Classification: Pathogenic. Last evaluated: 2024-02-14. Review status: criteria provided, single submitter. Criteria: GeneDx Variant Classification Process June 2021. Collection method: clinical testing. Allele origin: germline. Affected: yes.
Comment: Published functional studies demonstrate this variant has a deleterious effect on protein function including impaired adhesion to collagen and fibronectin and increased apoptosis (PMID: 24417819); This variant is associated with the following publications: (PMID: 31787977, 24417819, 27577878, 25174867, 30455981, 33122718, 34985046, 29879038, 33457482, 27418642, 34975848, 35627206, 31743734, 32084423, 30553809, 32888943, 28936210, 25534311, Ngan2014[paper], Culbreath2022[paper])

Women's Health and Genetics/Laboratory Corporation of America, LabCorp
Classification: Pathogenic for Gastrointestinal defect and immunodeficiency syndrome. Last evaluated: 2023-03-05. Review status: criteria provided, single submitter. Criteria: LabCorp Variant Classification Summary - May 2015. Collection method: clinical testing. Allele origin: germline.
Comment: Variant summary: TTC7A c.211G>A (p.Glu71Lys) results in a conservative amino acid change located in the Tetratricopeptide repeat protein 7, N-terminal domain (IPR045819) of the encoded protein sequence. Three of five in-silico tools predict a damaging effect of the variant on protein function. The variant allele was found at a frequency of 2e-05 in 251454 control chromosomes. c.211G>A has been reported in the literature in multiple individuals affected with features of Primary Immunodeficiency Diseases (PIDs) such as Gastrointestinal Defects And Immunodeficiency Syndrome (example, PMID: 32084423, 32888943, 27577878, 24417819, 28936210). These data indicate that the variant is very likely to be associated with disease. One clinical diagnostic laboratory has submitted clinical-significance assessments for this variant to ClinVar after 2014 without evidence for independent evaluation and classified the variant as uncertain significance. Based on the evidence outlined above, the variant was classified as pathogenic.

OMIM
Classification: Pathogenic for GASTROINTESTINAL DEFECTS AND IMMUNODEFICIENCY SYNDROME 1. Last evaluated: 2014-12-01. Review status: no assertion criteria provided. Collection method: literature only. Allele origin: germline. Not counted in ClinVar's aggregate classification.

Baylor Genetics
Classification: Uncertain significance for Gastrointestinal defects and immunodeficiency syndrome 1. Last evaluated: 2017-09-01. Review status: flagged submission. Criteria: ACMG Guidelines, 2015. Collection method: clinical testing. Allele origin: maternal. Inheritance: Autosomal recessive inheritance. Affected: yes. Not counted in ClinVar's aggregate classification.
ClinVar note: Reason: Older and outlier claim with insufficient supporting evidence

Literature cited by the submitters: PubMed 24417819 (cited by 3 submitters); PubMed 25174867 (cited by Labcorp Genetics (formerly Invitae), Labcorp and OMIM); PubMed 27418642 (cited by Labcorp Genetics (formerly Invitae), Labcorp); PubMed 27577878 (cited by Women's Health and Genetics/Laboratory Corporation of America, LabCorp); PubMed 28936210 (cited by Women's Health and Genetics/Laboratory Corporation of America, LabCorp); PubMed 32888943 (cited by Women's Health and Genetics/Laboratory Corporation of America, LabCorp); PubMed 32084423 (cited by Women's Health and Genetics/Laboratory Corporation of America, LabCorp); PubMed 25326635 (cited by Baylor Genetics).

NM_020458.4(TTC7A):c.211G>A (p.Glu71Lys)

Gene: TTC7A (tetratricopeptide repeat domain 7A; plus strand). Cytogenetic location: 2p21.
Variant type: single nucleotide variant.
Coding change: c.211G>A on transcript NM_020458.4 (MANE Select); coding-DNA position 211, G replaced by A.
Protein change: p.Glu71Lys; replaces glutamic acid 71 with lysine.
Molecular consequence: missense variant. On other transcripts: 5 prime UTR variant (1).
Genome position (GRCh38, 1-based): chr2:46,950,389, G>A. VCF-style: chr2-46950389-G-A. GRCh37 (hg19) VCF-style: chr2-47177528-G-A.
Other names: TTC7A, GLU71LYS (rs147914967); c.211G>A, p.Glu71Lys (LRG_1323t1, NM_001288951.2); c.109G>A, p.Glu37Lys (NM_001288953.2); c.-694G>A (NM_001288955.2); short protein forms E71K, E37K.
Identifiers: ClinVar variation 190395 (VCV000190395.16), dbSNP rs147914967, ClinGen allele CA199689.